The following is an entry in ClinVar:

NM_014363.6(SACS):c.10287C>A (p.Cys3429Ter)

Gene: SACS (sacsin molecular chaperone; minus strand). Cytogenetic location: 13q12.12.
Variant type: single nucleotide variant.
Coding change: c.10287C>A on transcript NM_014363.6 (MANE Select); coding-DNA position 10287, C replaced by A.
Protein change: p.Cys3429Ter; replaces cysteine 3429 with a stop codon.
Molecular consequence: nonsense.
Genome position (GRCh38, 1-based): chr13:23,333,589, G>T on the plus strand (C>A on the coding strand, the complement: SACS is on the minus strand). VCF-style: chr13-23333589-G-T. GRCh37 (hg19) VCF-style: chr13-23907728-G-T.
Other names: c.9846C>A, p.Cys3282Ter (NM_001278055.2); c.10314C>A, p.Cys3438Ter (NM_001437336.1); short protein forms C3282*, C3429*, C3438*.
Identifiers: ClinVar variation 4815666 (VCV004815666.1).

ClinVar aggregate classification (germline): Likely pathogenic (1 of 4 stars; one submission).

Conditions:
Charlevoix-Saguenay spastic ataxia (SACS). Also called: AUTOSOMAL RECESSIVE SPASTIC ATAXIA OF CHARLEVOIX-SAGUENAY; Spastic ataxia of Charlevoix-Saguenay; SPASTIC ATAXIA 6, AUTOSOMAL RECESSIVE. Identifiers: Orphanet 98, MedGen C1849140, MONDO:0010041, OMIM 270550.

Submission:

Natera, Inc.
Classification: Likely pathogenic for Charlevoix-Saguenay type spastic ataxia. Last evaluated: 2024-03-28. Review status: criteria provided, single submitter. Criteria: Natera Variant Classification Schema (03/2026). Collection method: clinical testing. Allele origin: germline.
Comment: The c.10287C>A variant in SACS is a nonsense variant predicted to introduce a stop codon at amino acid 3429. This variant is expected to result in nonsense mediated decay, truncation, or a dysfunctional protein product. This variant is rare in the general population with a frequency below the threshold expected for the associated phenotype(s). Given the available evidence, this variant is classified as Likely Pathogenic.